The following is an entry in ClinVar:

NM_002485.5(NBN):c.116A>G (p.Gln39Arg)

Gene: NBN (nibrin; minus strand). Cytogenetic location: 8q21.3.
Variant type: single nucleotide variant.
Coding change: c.116A>G on transcript NM_002485.5 (MANE Select); coding-DNA position 116, A replaced by G.
Protein change: p.Gln39Arg; replaces glutamine 39 with arginine.
Molecular consequence: missense variant. On other transcripts: 5 prime UTR variant (1).
Genome position (GRCh38, 1-based): chr8:89,982,777, T>C on the plus strand (A>G on the coding strand, the complement: NBN is on the minus strand). VCF-style: chr8-89982777-T-C. GRCh37 (hg19) VCF-style: chr8-90995005-T-C.
Other names: c.-181A>G (NM_001024688.3); short protein forms Q39R.
Identifiers: ClinVar variation 1934615 (VCV001934615.6), dbSNP rs765551184, ClinGen allele CA4803054.

ClinVar aggregate classification (germline): Uncertain significance. Review status: criteria provided, multiple submitters, no conflicts (2 of 4 stars). 3 submissions from 3 submitters: Uncertain significance (3). Last evaluated 2025-12-20.

Conditions:
Hereditary cancer-predisposing syndrome. Also called: Tumor predisposition; Hereditary Cancer Syndrome; Hereditary neoplastic syndrome; Neoplastic Syndromes, Hereditary. Identifiers: Orphanet 140162, MedGen C0027672, MeSH D009386, MONDO:0015356.
Microcephaly, normal intelligence and immunodeficiency (NBS). Also called: SEEMANOVA SYNDROME II; Nijmegen breakage syndrome; Microcephaly with normal intelligence immunodeficiency and lymphoreticular malignancies; Nonsyndromal microcephaly autosomal recessive with normal intelligence; Seemanova syndrome 2; Ataxia telangiectasia variant V1. Identifiers: Orphanet 647, MedGen C0398791, MONDO:0009623, OMIM 251260.

Allele frequency attached by ClinVar (database versions not stated): ExAC 0.00001.
gnomAD v4.1: 1 of 1,613,938 alleles (0.000062%); highest among the groups gnomAD compares: Non-Finnish European, 0.000085%; no homozygotes.

Submissions (3):

Ambry Genetics
Classification: Uncertain significance for Hereditary cancer-predisposing syndrome. Last evaluated: 2025-12-20. Review status: criteria provided, single submitter. Criteria: Ambry Variant Classification Scheme 2023. Collection method: clinical testing. Allele origin: germline.
Comment: The p.Q39R variant (also known as c.116A>G), located in coding exon 2 of the NBN gene, results from an A to G substitution at nucleotide position 116. The glutamine at codon 39 is replaced by arginine, an amino acid with highly similar properties. This amino acid position is conserved. In addition, this alteration is predicted to be tolerated by in silico analysis. Since supporting evidence is limited at this time, the clinical significance of this alteration remains unclear.

GeneDx
Classification: Uncertain significance. Last evaluated: 2023-01-19. Review status: criteria provided, single submitter. Criteria: GeneDx Variant Classification Process June 2021. Collection method: clinical testing. Allele origin: germline. Affected: yes.
Comment: Not observed at significant frequency in large population cohorts (gnomAD); In silico analysis supports that this missense variant does not alter protein structure/function; Has not been previously published as pathogenic or benign to our knowledge; This variant is associated with the following publications: (PMID: 24894818)

Labcorp Genetics (formerly Invitae), Labcorp
Classification: Uncertain significance for Microcephaly, normal intelligence and immunodeficiency. Last evaluated: 2022-05-09. Review status: criteria provided, single submitter. Criteria: Invitae Variant Classification Sherloc (09022015). Collection method: clinical testing. Allele origin: germline.
Comment: This sequence change replaces glutamine, which is neutral and polar, with arginine, which is basic and polar, at codon 39 of the NBN protein (p.Gln39Arg). This variant is present in population databases (rs765551184, gnomAD 0.0009%). This variant has not been reported in the literature in individuals affected with NBN-related conditions. Algorithms developed to predict the effect of missense changes on protein structure and function (SIFT, PolyPhen-2, Align-GVGD) all suggest that this variant is likely to be tolerated. In summary, the available evidence is currently insufficient to determine the role of this variant in disease. Therefore, it has been classified as a Variant of Uncertain Significance.